The following is an entry in ClinVar:

ClinVar aggregate classification (germline): Uncertain significance (1 of 4 stars; one submission).

Conditions:
Costello syndrome (CSTLO). Also called: FACIOCUTANEOSKELETAL SYNDROME; HRAS-Related Costello Syndrome; FCS SYNDROME. Identifiers: Orphanet 3071, MedGen C0587248, MONDO:0009026, OMIM 218040.

Submission:

Labcorp Genetics (formerly Invitae), Labcorp
Classification: Uncertain significance for Costello syndrome. Last evaluated: 2021-05-31. Review status: criteria provided, single submitter. Criteria: Invitae Variant Classification Sherloc (09022015). Collection method: clinical testing. Allele origin: germline.
Comment: In summary, the available evidence is currently insufficient to determine the role of this variant in disease. Therefore, it has been classified as a Variant of Uncertain Significance. Advanced modeling of protein sequence and biophysical properties (such as structural, functional, and spatial information, amino acid conservation, physicochemical variation, residue mobility, and thermodynamic stability) performed at Invitae indicates that this missense variant is not expected to disrupt HRAS protein function. This variant has not been reported in the literature in individuals with HRAS-related conditions. This variant is not present in population databases (ExAC no frequency). This sequence change replaces glutamic acid with glutamine at codon 49 of the HRAS protein (p.Glu49Gln). The glutamic acid residue is highly conserved and there is a small physicochemical difference between glutamic acid and glutamine.

NM_005343.4(HRAS):c.145G>C (p.Glu49Gln)

Genes: HRAS (HRas proto-oncogene, GTPase; minus strand), LRRC56 (leucine rich repeat containing 56; plus strand). Cytogenetic location: 11p15.5.
Variant type: single nucleotide variant.
Coding change: c.145G>C on transcript NM_005343.4 (MANE Select); coding-DNA position 145, G replaced by C.
Protein change: p.Glu49Gln; replaces glutamic acid 49 with glutamine.
Molecular consequence: missense variant. On other transcripts: 5 prime UTR variant (1).
Genome position (GRCh38, 1-based): chr11:533,911, C>G on the plus strand (G>C on the coding strand, the complement: HRAS is on the minus strand). VCF-style: chr11-533911-C-G. GRCh37 (hg19) VCF-style: chr11-533911-C-G.
Other names: c.145G>C, p.Glu49Gln (NM_001130442.3, NM_176795.5); c.-175G>C (NM_001318054.2); short protein forms E49Q.
Identifiers: ClinVar variation 1523510 (VCV001523510.8), dbSNP rs1277340795, ClinGen allele CA378924751.